The following is an entry in ClinVar:

ClinVar aggregate classification (germline): Pathogenic. Review status: criteria provided, multiple submitters, no conflicts (2 of 4 stars). 4 submissions from 4 submitters: Pathogenic (4). Last evaluated 2025-07-14.

Conditions:
Retinitis pigmentosa 26 (RP26). Identifiers: Orphanet 791, MedGen C1842127, MONDO:0012024, OMIM 608380.

Allele frequency attached by ClinVar (database versions not stated): gnomAD exomes below 0.00001; ExAC 0.00001.
gnomAD v4.1: 1 of 1,613,154 alleles (0.000062%); highest among the groups gnomAD compares: Non-Finnish European, 0.000085%; no homozygotes.

Submissions (4):

Myriad Genetics, Inc.
Classification: Pathogenic for Retinitis pigmentosa 26. Last evaluated: 2025-07-14. Review status: criteria provided, single submitter. Criteria: Myriad Autosomal Dominant, Autosomal Recessive and X-Linked Classification Criteria (2023). Collection method: clinical testing. Allele origin: unknown.
Comment: NM_001030311.2(CERKL):c.334C>T(Q112*) is a nonsense variant classified as pathogenic in the context of retinitis pigmentosa, CERKL-related. Q112* has been observed in a case with relevant disease (PMID: 33576794). Relevant functional assessments of this variant are not available in the literature. Q112* has been observed in referenced population frequency databases. In summary, NM_001030311.2(CERKL):c.334C>T(Q112*) is a nonsense variant in a gene where loss of function is a known mechanism of disease, is predicted to disrupt protein function, and has been observed more frequently in cases with the relevant disease than in healthy populations. Please note: this variant was assessed in the context of healthy population screening.

Natera, Inc.
Classification: Pathogenic for Retinitis Pigmentosa 26. Last evaluated: 2024-09-19. Review status: criteria provided, single submitter. Criteria: Natera Variant Classification Schema (03/2026). Collection method: clinical testing. Allele origin: germline.
Comment: The c.334C>T variant in CERKL is a nonsense variant predicted to introduce a stop codon at amino acid 112. This variant is expected to result in nonsense mediated decay, truncation, or a dysfunctional protein product. This variant is rare in the general population with a frequency below the threshold expected for the associated phenotype(s). This variant has been observed in one or more individuals affected with the associated recessive disease, as either homozygous or compound heterozygous with a second variant (PMID: 33576794). Given the available evidence, this variant is classified as Pathogenic.

Baylor Genetics
Classification: Pathogenic for Retinitis pigmentosa 26. Last evaluated: 2023-08-22. Review status: criteria provided, single submitter. Criteria: ACMG Guidelines, 2015. Collection method: clinical testing. Allele origin: unknown.

Labcorp Genetics (formerly Invitae), Labcorp
Classification: Pathogenic. Last evaluated: 2019-12-04. Review status: criteria provided, single submitter. Criteria: Invitae Variant Classification Sherloc (09022015). Collection method: clinical testing. Allele origin: germline.
Comment: For these reasons, this variant has been classified as Pathogenic. Loss-of-function variants in CERKL are known to be pathogenic (PMID: 14681825, 24043777). This variant has not been reported in the literature in individuals with CERKL-related conditions. ClinVar contains an entry for this variant (Variation ID: 656222). This variant is present in population databases (rs772748858, ExAC 0.002%). This sequence change creates a premature translational stop signal (p.Gln112*) in the CERKL gene. It is expected to result in an absent or disrupted protein product.

Literature cited by the submitters: PubMed 33576794 (cited by Myriad Genetics, Inc. and Natera, Inc.); PubMed 14681825 (cited by Labcorp Genetics (formerly Invitae), Labcorp); PubMed 24043777 (cited by Labcorp Genetics (formerly Invitae), Labcorp).

NM_201548.5(CERKL):c.334C>T (p.Gln112Ter)

Gene: CERKL (CERK like autophagy regulator; minus strand). Cytogenetic location: 2q31.3.
Variant type: single nucleotide variant.
Coding change: c.334C>T on transcript NM_201548.5 (MANE Select); coding-DNA position 334, C replaced by T.
Protein change: p.Gln112Ter; replaces glutamine 112 with a stop codon.
Molecular consequence: nonsense. On other transcripts: non-coding transcript variant (2).
Genome position (GRCh38, 1-based): chr2:181,603,984, G>A on the plus strand (C>T on the coding strand, the complement: CERKL is on the minus strand). VCF-style: chr2-181603984-G-A. GRCh37 (hg19) VCF-style: chr2-182468711-G-A.
Other names: c.334C>T, p.Gln112Ter (NM_001030311.3, NM_001030312.3, NM_001030313.3 and 1 more transcripts); short protein forms Q112*.
Identifiers: ClinVar variation 656222 (VCV000656222.12), dbSNP rs772748858, ClinGen allele CA2010863.